The following is an entry in ClinVar:

ClinVar aggregate classification (germline): Uncertain significance. Review status: criteria provided, multiple submitters, no conflicts (2 of 4 stars). 2 submissions from 2 submitters: Uncertain significance (2). Last evaluated 2024-09-05.

Conditions:
Craniosynostosis, nonspecific.

Submissions (2):

Labcorp Genetics (formerly Invitae), Labcorp
Classification: Uncertain significance. Last evaluated: 2024-09-05. Review status: criteria provided, single submitter. Criteria: Invitae Variant Classification Sherloc (09022015). Collection method: clinical testing. Allele origin: germline.
Comment: This sequence change replaces isoleucine, which is neutral and non-polar, with valine, which is neutral and non-polar, at codon 494 of the FGFR3 protein (p.Ile494Val). This variant is not present in population databases (gnomAD no frequency). This variant has not been reported in the literature in individuals affected with FGFR3-related conditions. ClinVar contains an entry for this variant (Variation ID: 374827). Invitae Evidence Modeling of protein sequence and biophysical properties (such as structural, functional, and spatial information, amino acid conservation, physicochemical variation, residue mobility, and thermodynamic stability) indicates that this missense variant is not expected to disrupt FGFR3 protein function with a negative predictive value of 95%. In summary, the available evidence is currently insufficient to determine the role of this variant in disease. Therefore, it has been classified as a Variant of Uncertain Significance.

Genomic Diagnostic Laboratory, Division of Genomic Diagnostics, Children's Hospital of Philadelphia
Classification: Uncertain significance for Craniosynostosis, nonspecific. Last evaluated: 2016-10-20. Review status: criteria provided, single submitter. Criteria: DGD Variant Analysis Guidelines. Collection method: clinical testing. Allele origin: germline. Affected: yes. Observed: 1 variant allele.
Comment: Clinical Testing

NM_000142.5(FGFR3):c.1480A>G (p.Ile494Val)

Gene: FGFR3 (fibroblast growth factor receptor 3; plus strand). Cytogenetic location: 4p16.3.
Variant type: single nucleotide variant.
Coding change: c.1480A>G on transcript NM_000142.5 (MANE Select); coding-DNA position 1480, A replaced by G.
Protein change: p.Ile494Val; replaces isoleucine 494 with valine.
Molecular consequence: missense variant. On other transcripts: non-coding transcript variant (1).
Genome position (GRCh38, 1-based): chr4:1,805,422, A>G. VCF-style: chr4-1805422-A-G. GRCh37 (hg19) VCF-style: chr4-1807149-A-G.
Other names: c.1486A>G, p.Ile496Val (NM_001163213.2); c.1483A>G, p.Ile495Val (NM_001354809.2, NM_001354810.2); c.1144A>G, p.Ile382Val (NM_022965.4); short protein forms I494V, I496V, I382V, I495V.
Identifiers: ClinVar variation 374827 (VCV000374827.5), dbSNP rs1057519048, ClinGen allele CA16043903.